The following is an entry in ClinVar:

NM_001365951.3(KIF1B):c.194C>A (p.Pro65His)

Gene: KIF1B (kinesin family member 1B; plus strand). Cytogenetic location: 1p36.22.
Variant type: single nucleotide variant.
Coding change: c.194C>A on transcript NM_001365951.3 (MANE Select); coding-DNA position 194, C replaced by A.
Protein change: p.Pro65His; replaces proline 65 with histidine.
Molecular consequence: missense variant.
Genome position (GRCh38, 1-based): chr1:10,258,503, C>A. VCF-style: chr1-10258503-C-A. GRCh37 (hg19) VCF-style: chr1-10318561-C-A.
Other names: c.194C>A, p.Pro65His (NM_001365952.1, NM_001365953.1, NM_015074.3 and 1 more transcripts); short protein forms P65H.
Identifiers: ClinVar variation 3015242 (VCV003015242.3), dbSNP rs1647929607, ClinGen allele CA338324632.

ClinVar aggregate classification (germline): Uncertain significance (1 of 4 stars; one submission).

Conditions:
Charcot-Marie-Tooth disease type 2. Also called: Charcot-Marie-Tooth type 2. Identifiers: Orphanet 64746, MedGen C0270914, MONDO:0018993.

Allele frequency attached by ClinVar (database versions not stated): gnomAD 0.00001.
gnomAD v4.1: 1 of 1,613,750 alleles (0.000062%); highest among the groups gnomAD compares: Admixed American, 0.0017%; no homozygotes.

Submission:

Labcorp Genetics (formerly Invitae), Labcorp
Classification: Uncertain significance for Charcot-Marie-Tooth disease type 2. Last evaluated: 2023-09-08. Review status: criteria provided, single submitter. Criteria: Invitae Variant Classification Sherloc (09022015). Collection method: clinical testing. Allele origin: germline.
Comment: This sequence change replaces proline, which is neutral and non-polar, with histidine, which is basic and polar, at codon 65 of the KIF1B protein (p.Pro65His). This variant is not present in population databases (gnomAD no frequency). This variant has not been reported in the literature in individuals affected with KIF1B-related conditions. Advanced modeling of protein sequence and biophysical properties (such as structural, functional, and spatial information, amino acid conservation, physicochemical variation, residue mobility, and thermodynamic stability) performed at Invitae indicates that this missense variant is not expected to disrupt KIF1B protein function. In summary, the available evidence is currently insufficient to determine the role of this variant in disease. Therefore, it has been classified as a Variant of Uncertain Significance.